The following is an entry in ClinVar:

ClinVar aggregate classification (germline): Conflicting classifications of pathogenicity. Review status: criteria provided, conflicting classifications (1 of 4 stars). 4 submissions from 4 submitters: Uncertain significance (1); Likely benign (1). 2 of the submissions do not count toward it. Last evaluated 2024-02-06.

Conditions:
PKHD1-related disorder. Also called: PKHD1-related condition.
Autosomal recessive polycystic kidney disease (ARPKD). Also called: AR polycystic kidney disease. Identifiers: Orphanet 731, Orphanet 8378, MedGen C0085548, MeSH D017044, MONDO:0009889.

Allele frequency attached by ClinVar (database versions not stated): gnomAD 0.00001; gnomAD exomes 0.00001 and 0.00004; TOPMed 0.00001; ExAC 0.00005.
gnomAD v4.1: 11 of 1,613,326 alleles (0.00068%); highest among the groups gnomAD compares: East Asian, 0.025%; no homozygotes.

Submissions (4):

Labcorp Genetics (formerly Invitae), Labcorp
Classification: Likely benign for Autosomal recessive polycystic kidney disease. Last evaluated: 2024-02-06. Review status: criteria provided, single submitter. Criteria: Invitae Variant Classification Sherloc (09022015). Collection method: clinical testing. Allele origin: germline.

Eurofins Ntd Llc (ga)
Classification: Uncertain significance. Last evaluated: 2016-06-03. Review status: criteria provided, single submitter. Criteria: EGL Classification Definitions 2015. Collection method: clinical testing. Allele origin: germline. Observed: 1 variant allele, 1 heterozygote.

PreventionGenetics, part of Exact Sciences
Classification: Likely benign for PKHD1-related condition. Last evaluated: 2024-02-15. Review status: no assertion criteria provided. Collection method: clinical testing. Allele origin: germline. Not counted in ClinVar's aggregate classification.
Comment: This variant is classified as likely benign based on ACMG/AMP sequence variant interpretation guidelines (Richards et al. 2015 PMID: 25741868, with internal and published modifications).

Natera, Inc.
Classification: Uncertain significance for Autosomal recessive polycystic kidney disease. Last evaluated: 2018-04-30. Review status: no assertion criteria provided. Collection method: clinical testing. Allele origin: germline. Not counted in ClinVar's aggregate classification.

NM_138694.4(PKHD1):c.7641A>G (p.Ser2547=)

Gene: PKHD1 (PKHD1 ciliary IPT domain containing fibrocystin/polyductin; minus strand). Cytogenetic location: 6p12.2.
Variant type: single nucleotide variant.
Coding change: c.7641A>G on transcript NM_138694.4 (MANE Select); coding-DNA position 7641, A replaced by G.
Protein change: p.Ser2547=; no amino-acid change (serine 2547 retained).
Molecular consequence: synonymous variant.
Genome position (GRCh38, 1-based): chr6:51,867,955, T>C on the plus strand (A>G on the coding strand, the complement: PKHD1 is on the minus strand). VCF-style: chr6-51867955-T-C. GRCh37 (hg19) VCF-style: chr6-51732753-T-C.
Other names: c.7641A>G, p.Ser2547= (NM_170724.3).
Identifiers: ClinVar variation 288474 (VCV000288474.18), dbSNP rs771563591, ClinGen allele CA3851883.